The following is an entry in ClinVar:

NM_000535.7(PMS2):c.635A>G (p.Gln212Arg)

Gene: PMS2 (PMS1 homolog 2, mismatch repair system component; minus strand). Cytogenetic location: 7p22.1.
Variant type: single nucleotide variant.
Coding change: c.635A>G on transcript NM_000535.7 (MANE Select); coding-DNA position 635, A replaced by G.
Protein change: p.Gln212Arg; replaces glutamine 212 with arginine.
Molecular consequence: missense variant. On other transcripts: 5 prime UTR variant (2), non-coding transcript variant (1), intron variant (1).
Genome position (GRCh38, 1-based): chr7:5,999,178, T>C on the plus strand (A>G on the coding strand, the complement: PMS2 is on the minus strand). VCF-style: chr7-5999178-T-C. GRCh37 (hg19) VCF-style: chr7-6038809-T-C.
Other names: c.230A>G, p.Gln77Arg (NM_001322003.2, NM_001322004.2, NM_001322005.2 and 2 more transcripts); c.635A>G, p.Gln212Arg (NM_001322006.2, NM_001322014.2); c.317A>G, p.Gln106Arg (NM_001322007.2, NM_001322008.2); c.-299A>G (NM_001322011.2, NM_001322012.2); c.326A>G, p.Gln109Arg (NM_001322015.2); c.133-1755A>G (NM_001322013.2); short protein forms Q106R, Q109R, Q212R, Q77R.
Identifiers: ClinVar variation 1018346 (VCV001018346.8), dbSNP rs1583386594, ClinGen allele CA366743942.
Genomic context (GRCh38, chr7:5,999,178, plus strand): 5'-CCAAACACAGAGCCGATATTTTCCTTTATGCTGGGGCTTCCACCTGTGCATACCACAGGC[T>C]GTCGTTTTCCTTGTCCAAGCTGATTGGTGCAACTTACACGGATGCCTGCTGAAATGATAC-3'
Protein context (NP_000526.2, residues 202-222): CTNQLGQGKR[Gln212Arg]PVVCTGGSPS

ClinVar aggregate classification (germline): Uncertain significance (1 of 4 stars; one submission).

Conditions:
Hereditary nonpolyposis colorectal neoplasms. Identifiers: MedGen C0009405, MeSH D003123.

Allele frequency attached by ClinVar (database versions not stated): gnomAD exomes below 0.00001.

Submission:

Labcorp Genetics (formerly Invitae), Labcorp
Classification: Uncertain significance for Hereditary nonpolyposis colorectal neoplasms. Last evaluated: 2020-09-13. Review status: criteria provided, single submitter. Criteria: Invitae Variant Classification Sherloc (09022015). Collection method: clinical testing. Allele origin: germline.
Comment: In summary, the available evidence is currently insufficient to determine the role of this variant in disease. Therefore, it has been classified as a Variant of Uncertain Significance. Advanced modeling of protein sequence and biophysical properties (such as structural, functional, and spatial information, amino acid conservation, physicochemical variation, residue mobility, and thermodynamic stability) performed at Invitae indicates that this missense variant is not expected to disrupt PMS2 protein function. This variant has not been reported in the literature in individuals with PMS2-related conditions. This variant is not present in population databases (ExAC no frequency). This sequence change replaces glutamine with arginine at codon 212 of the PMS2 protein (p.Gln212Arg). The glutamine residue is weakly conserved and there is a small physicochemical difference between glutamine and arginine.